The following is an entry in ClinVar:

NM_017780.4(CHD7):c.3522+4T>A

Gene: CHD7 (chromodomain helicase DNA binding protein 7; plus strand). Cytogenetic location: 8q12.2.
Variant type: single nucleotide variant.
Coding change: c.3522+4T>A on transcript NM_017780.4 (MANE Select); 4 bases into the intron after coding-DNA position 3522, T replaced by A.
Molecular consequence: intron variant.
Genome position (GRCh38, 1-based): chr8:60,828,810, T>A. VCF-style: chr8-60828810-T-A. GRCh37 (hg19) VCF-style: chr8-61741369-T-A.
Other names: c.1717-33419T>A (NM_001316690.1).
Identifiers: ClinVar variation 4810827 (VCV004810827.1).

ClinVar aggregate classification (germline): Uncertain significance (1 of 4 stars; one submission).

Conditions:
CHARGE syndrome (CHARGE). Also called: Hittner Hirsch Kreh syndrome; CHARGE ASSOCIATION--COLOBOMA, HEART ANOMALY, CHOANAL ATRESIA, RETARDATION, GENITAL AND EAR ANOMALIES; Coloboma, heart anomaly, choanal atresia, retardation, genital and ear anomalies; CHARGE association; Hall-Hittner syndrome. Identifiers: Orphanet 138, MedGen C0265354, MONDO:0008965.

Submission:

Labcorp Genetics (formerly Invitae), Labcorp
Classification: Uncertain significance for CHARGE syndrome. Last evaluated: 2025-09-12. Review status: criteria provided, single submitter. Criteria: Invitae Variant Classification Sherloc (09022015). Collection method: clinical testing. Allele origin: germline.
Comment: This sequence change falls in intron 14 of the CHD7 gene. It does not directly change the encoded amino acid sequence of the CHD7 protein. It affects a nucleotide within the consensus splice site. This variant is not present in population databases (gnomAD no frequency). This variant has not been reported in the literature in individuals affected with CHD7-related conditions. Variants that disrupt the consensus splice site are a relatively common cause of aberrant splicing (PMID: 17576681, 9536098). Algorithms developed to predict the effect of sequence changes on RNA splicing suggest that this variant is not likely to affect RNA splicing. In summary, the available evidence is currently insufficient to determine the role of this variant in disease. Therefore, it has been classified as a Variant of Uncertain Significance.

Literature cited by the submitters: PubMed 17576681; PubMed 9536098.